The following is an entry in ClinVar:

NM_006343.3(MERTK):c.583+3A>G

Gene: MERTK (MER proto-oncogene, tyrosine kinase; plus strand). Cytogenetic location: 2q13.
Variant type: single nucleotide variant.
Coding change: c.583+3A>G on transcript NM_006343.3 (MANE Select); 3 bases into the intron after coding-DNA position 583, A replaced by G.
Molecular consequence: intron variant.
Genome position (GRCh38, 1-based): chr2:111,945,063, A>G. VCF-style: chr2-111945063-A-G. GRCh37 (hg19) VCF-style: chr2-112702640-A-G.
Identifiers: ClinVar variation 2102000 (VCV002102000.2), dbSNP rs2466777462, ClinGen allele CA2577070406.

ClinVar aggregate classification (germline): Uncertain significance (1 of 4 stars; one submission).

Submission:

Labcorp Genetics (formerly Invitae), Labcorp
Classification: Uncertain significance. Last evaluated: 2025-03-17. Review status: criteria provided, single submitter. Criteria: Invitae Variant Classification Sherloc (09022015). Collection method: clinical testing. Allele origin: germline.
Comment: This sequence change falls in intron 3 of the MERTK gene. It does not directly change the encoded amino acid sequence of the MERTK protein. It affects a nucleotide within the consensus splice site. This variant is not present in population databases (gnomAD no frequency). This variant has not been reported in the literature in individuals affected with MERTK-related conditions. ClinVar contains an entry for this variant (Variation ID: 2102000). Variants that disrupt the consensus splice site are a relatively common cause of aberrant splicing (PMID: 17576681, 9536098). Algorithms developed to predict the effect of sequence changes on RNA splicing suggest that this variant is not likely to affect RNA splicing. In summary, the available evidence is currently insufficient to determine the role of this variant in disease. Therefore, it has been classified as a Variant of Uncertain Significance.

Literature cited by the submitters: PubMed 17576681; PubMed 9536098.